The following is an entry in ClinVar:

NM_000384.3(APOB):c.3843C>T (p.Ser1281=)

Gene: APOB (apolipoprotein B; minus strand). Cytogenetic location: 2p24.1.
Variant type: single nucleotide variant.
Coding change: c.3843C>T on transcript NM_000384.3 (MANE Select); coding-DNA position 3843, C replaced by T.
Protein change: p.Ser1281=; no amino-acid change (serine 1281 retained).
Molecular consequence: synonymous variant.
Genome position (GRCh38, 1-based): chr2:21,013,533, G>A on the plus strand (C>T on the coding strand, the complement: APOB is on the minus strand). VCF-style: chr2-21013533-G-A. GRCh37 (hg19) VCF-style: chr2-21236405-G-A.
Identifiers: ClinVar variation 334149 (VCV000334149.31), dbSNP rs72653079, ClinGen allele CA059989.

ClinVar aggregate classification (germline): Benign/Likely benign. Review status: criteria provided, multiple submitters, no conflicts (2 of 4 stars). 9 submissions from 9 submitters: Benign (4); Likely benign (4). 1 of the submissions does not count toward it. Last evaluated 2026-10-01.

Conditions:
Cardiovascular phenotype. Identifiers: MedGen CN230736.
Familial hypercholesterolemia. Also called: Familial hypercholesterolemias; Familial hypercholesterolaemia. Identifiers: MedGen C0020445, MONDO:0005439.
Hypercholesterolemia, autosomal dominant, type B (FHCL2). Also called: Hyperlipoproteinemia Type IIb; Familial hypercholesterolemia 2; APOB-Related Familial Hypercholesterolemia, Autosomal Dominant; HYPERCHOLESTEROLEMIA, FAMILIAL, DUE TO LIGAND-DEFECTIVE APOLIPOPROTEIN B; Familial Hypercholesterolemia Type B; APOLIPOPROTEIN B-100, FAMILIAL DEFECTIVE. Identifiers: MedGen C1704417, MONDO:0007751, OMIM 144010.
Familial hypobetalipoproteinemia 1. Also called: APOB-Related Familial Hypobetalipoproteinemia; Hypobetalipoproteinemia, normotriglyceridemic; Acanthocytosis with hypobetalipoproteinemia. Identifiers: MedGen C4551990, MONDO:0014252, OMIM 615558.
APOB-related disorder. Also called: APOB-related disorders; APOB-related condition.

Allele frequency attached by ClinVar (database versions not stated): TOPMed 0.00278; 1000 Genomes Project 0.00280; 1000 Genomes Project 30x 0.00312; gnomAD exomes 0.00023 and 0.00063; ExAC 0.00071; gnomAD 0.00223 and 0.00240; ESP Exome Variant Server 0.00238.
gnomAD v4.1: 712 of 1,614,046 alleles (0.044%); highest among the groups gnomAD compares: African/African-American, 0.77%; 6 homozygotes.

Submissions (9):

CeGaT Center for Human Genetics Tuebingen
Classification: Likely benign. Last evaluated: 2026-10-01. Review status: criteria provided, single submitter. Criteria: CeGaT Center For Human Genetics Tuebingen Variant Classification Criteria Version 2. Collection method: clinical testing. Allele origin: germline. Affected: yes. Observed: 5 variant alleles.
Comment: APOB: BP4, BP7

Labcorp Genetics (formerly Invitae), Labcorp
Classification: Benign for Familial hypobetalipoproteinemia 1; Hypercholesterolemia, autosomal dominant, type B. Last evaluated: 2026-01-11. Review status: criteria provided, single submitter. Criteria: Invitae Variant Classification Sherloc (09022015). Collection method: clinical testing. Allele origin: germline.

Ambry Genetics
Classification: Likely benign for Cardiovascular phenotype. Last evaluated: 2025-10-23. Review status: criteria provided, single submitter. Criteria: Ambry Variant Classification Scheme 2023. Collection method: clinical testing. Allele origin: germline.

GENinCode PLC
Classification: Benign for Familial hypercholesterolemia. Last evaluated: 2025-10-07. Review status: criteria provided, single submitter. Criteria: ACMG Guidelines, 2015. Collection method: clinical testing. Allele origin: germline.
Comment: The APOB c.3843C>T p.(Ser1281=) variant is a synonymous (silent) variant. The GrpMax filtering allele frequency in gnomAD v4.1.1 is 0.007223 in the African/ African American genetic ancestry group, which is higher than our in-house threshold (0.005 for BA1), and therefore meets this criterion and is classified as Benign.

Blueprint Genetics
Classification: Likely benign. Last evaluated: 2024-10-04. Review status: criteria provided, single submitter. Criteria: ACMG Guidelines, 2015. Collection method: clinical testing. Allele origin: germline.

Quest Diagnostics Nichols Institute San Juan Capistrano
Classification: Benign. Last evaluated: 2023-08-02. Review status: criteria provided, single submitter. Criteria: Quest Diagnostics criteria. Collection method: clinical testing. Allele origin: unknown.

ARUP Laboratories, Molecular Genetics and Genomics, ARUP Laboratories
Classification: Likely benign. Last evaluated: 2021-07-10. Review status: criteria provided, single submitter. Criteria: ARUP Molecular Germline Variant Investigation Process 2021. Collection method: clinical testing. Allele origin: germline.

GeneDx
Classification: Benign. Last evaluated: 2017-07-12. Review status: criteria provided, single submitter. Criteria: GeneDx Variant Classification (06012015). Collection method: clinical testing. Allele origin: germline. Affected: yes.
Comment: This variant is considered likely benign or benign based on one or more of the following criteria: it is a conservative change, it occurs at a poorly conserved position in the protein, it is predicted to be benign by multiple in silico algorithms, and/or has population frequency not consistent with disease.

PreventionGenetics, part of Exact Sciences
Classification: Likely benign for APOB-related condition. Last evaluated: 2020-10-12. Review status: no assertion criteria provided. Collection method: clinical testing. Allele origin: germline. Not counted in ClinVar's aggregate classification.
Comment: This variant is classified as likely benign based on ACMG/AMP sequence variant interpretation guidelines (Richards et al. 2015 PMID: 25741868, with internal and published modifications).

Literature cited by the submitters: PubMed 19602640 (cited by Quest Diagnostics Nichols Institute San Juan Capistrano).